The following is an entry in ClinVar:

ClinVar aggregate classification (germline): Conflicting classifications of pathogenicity. Review status: criteria provided, conflicting classifications (1 of 4 stars). 5 submissions from 5 submitters: Uncertain significance (1); Likely benign (4). Last evaluated 2026-06-01.

Conditions:
Muscular dystrophy-dystroglycanopathy (congenital with brain and eye anomalies), type A9. Also called: WALKER-WARBURG SYNDROME OR MUSCLE-EYE BRAIN DISEASE, DAG1-RELATED; Muscular dystrophy-dystroglycanopathy (congenital with brain and eye anomalies), type a, 9. Identifiers: Orphanet 370997, Orphanet 899, MedGen C4225291, MONDO:0014683, OMIM 616538.
Autosomal recessive limb-girdle muscular dystrophy type 2P. Also called: Limb-Girdle Muscular Dystrophy Type 9C; MUSCULAR DYSTROPHY, LIMB-GIRDLE, TYPE 2P; MUSCULAR DYSTROPHY-DYSTROGLYCANOPATHY, LIMB-GIRDLE, DAG1-RELATED. Identifiers: Orphanet 280333, MedGen C4511963, MONDO:0013440, OMIM 613818.

Allele frequency attached by ClinVar (database versions not stated): gnomAD exomes 0.00037 and 0.00049; ExAC 0.00067; ESP Exome Variant Server 0.00077; gnomAD 0.00090 and 0.00091; TOPMed 0.00114; 1000 Genomes Project 30x 0.00141; 1000 Genomes Project 0.00160.
gnomAD v4.1: 709 of 1,612,404 alleles (0.044%); highest among the groups gnomAD compares: African/African-American, 0.24%; 1 homozygote.

Submissions (5):

CeGaT Center for Human Genetics Tuebingen
Classification: Likely benign. Last evaluated: 2026-06-01. Review status: criteria provided, single submitter. Criteria: CeGaT Center For Human Genetics Tuebingen Variant Classification Criteria Version 2. Collection method: clinical testing. Allele origin: germline. Affected: yes. Observed: 1 variant allele.
Comment: DAG1: BP4, BP7

Labcorp Genetics (formerly Invitae), Labcorp
Classification: Likely benign for Autosomal recessive limb-girdle muscular dystrophy type 2P; Muscular dystrophy-dystroglycanopathy (congenital with brain and eye anomalies), type A9. Last evaluated: 2026-01-18. Review status: criteria provided, single submitter. Criteria: Invitae Variant Classification Sherloc (09022015). Collection method: clinical testing. Allele origin: germline.

Blueprint Genetics
Classification: Likely benign. Last evaluated: 2024-04-29. Review status: criteria provided, single submitter. Criteria: ACMG Guidelines, 2015. Collection method: clinical testing. Allele origin: germline.

Eurofins Ntd Llc (ga)
Classification: Uncertain significance. Last evaluated: 2018-07-18. Review status: criteria provided, single submitter. Criteria: EGL ClinVar v180209 classification definitions. Collection method: clinical testing. Allele origin: germline. Observed: 7 variant alleles, 7 heterozygotes.

GeneDx
Classification: Likely benign. Last evaluated: 2018-06-20. Review status: criteria provided, single submitter. Criteria: GeneDx Variant Classification (06012015). Collection method: clinical testing. Allele origin: germline. Affected: yes.
Comment: This variant is considered likely benign or benign based on one or more of the following criteria: it is a conservative change, it occurs at a poorly conserved position in the protein, it is predicted to be benign by multiple in silico algorithms, and/or has population frequency not consistent with disease.

NM_004393.6(DAG1):c.2082C>T (p.Asn694=)

Gene: DAG1 (dystroglycan 1; plus strand). Cytogenetic location: 3p21.31.
Variant type: single nucleotide variant.
Coding change: c.2082C>T on transcript NM_004393.6 (MANE Select); coding-DNA position 2082, C replaced by T.
Protein change: p.Asn694=; no amino-acid change (asparagine 694 retained).
Molecular consequence: synonymous variant.
Genome position (GRCh38, 1-based): chr3:49,532,593, C>T. VCF-style: chr3-49532593-C-T. GRCh37 (hg19) VCF-style: chr3-49570026-C-T.
Other names: c.2082C>T, p.Asn694= (NM_001165928.4, NM_001177634.3, NM_001177635.3 and 9 more transcripts).
Identifiers: ClinVar variation 285357 (VCV000285357.19), dbSNP rs146453412, ClinGen allele CA2399204.